The following is an entry in ClinVar:

ClinVar aggregate classification (germline): Pathogenic (1 of 4 stars; one submission).

Conditions:
Hereditary cancer-predisposing syndrome. Also called: Hereditary neoplastic syndrome; Tumor predisposition; Hereditary Cancer Syndrome; Neoplastic Syndromes, Hereditary. Identifiers: Orphanet 140162, MedGen C0027672, MeSH D009386, MONDO:0015356.

Submission:

Color Diagnostics, LLC DBA Color Health
Classification: Pathogenic for Hereditary cancer-predisposing syndrome. Last evaluated: 2022-02-04. Review status: criteria provided, single submitter. Criteria: ACMG Guidelines, 2015. Collection method: clinical testing. Allele origin: germline.
Comment: This variant inserts 4 nucleotides in exon 11 of the BRCA2 gene, creating a frameshift and premature translation stop signal. This variant is expected to result in an absent or non-functional protein product. To our knowledge, this variant has not been reported in individuals affected with hereditary cancer in the literature. This variant has not been identified in the general population by the Genome Aggregation Database (gnomAD). Loss of BRCA2 function is a known mechanism of disease. Based on the available evidence, this variant is classified as Pathogenic.

NM_000059.4(BRCA2):c.6408_6411dup (p.Val2138fs)

Gene: BRCA2 (BRCA2 DNA repair associated; plus strand). Cytogenetic location: 13q13.1.
Variant type: Duplication.
Coding change: c.6408_6411dup on transcript NM_000059.4 (MANE Select); coding-DNA positions 6408 to 6411, 4 bases duplicated (AAAT; older notation c.6408_6411dupAAAT).
Protein change: p.Val2138fs; shifts the reading frame from valine 2138.
Molecular consequence: frameshift variant.
Genome position (GRCh38, 1-based): chr13:32,340,763-32,340,766, AAAT duplicated; duplicating any 4 consecutive bases within chr13:32,340,762-32,340,766 gives the same sequence; the c. name uses the placement nearest the transcript's 3' end. VCF-style (leftmost placement, unchanged base first): chr13-32340761-T-TTAAA. GRCh37 (hg19) VCF-style: chr13-32914898-T-TTAAA.
Other names: c.6408_6411dupAAAT (NM_000059.3); short protein forms V2138fs.
Identifiers: ClinVar variation 491303 (VCV000491303.5), dbSNP rs1555284670, ClinGen allele CA658683804.